The following is an entry in ClinVar:

NM_001386393.1(PANK2):c.881A>T (p.Asn294Ile)

Gene: PANK2 (pantothenate kinase 2; plus strand). Cytogenetic location: 20p13.
Variant type: single nucleotide variant.
Coding change: c.881A>T on transcript NM_001386393.1 (MANE Select); coding-DNA position 881, A replaced by T.
Protein change: p.Asn294Ile; replaces asparagine 294 with isoleucine.
Molecular consequence: missense variant. On other transcripts: 5 prime UTR variant (1), non-coding transcript variant (1).
Genome position (GRCh38, 1-based): chr20:3,910,806, A>T. VCF-style: chr20-3910806-A-T. GRCh37 (hg19) VCF-style: chr20-3891453-A-T.
Other names: c.338A>T, p.Asn113Ile (NM_001324191.2, NM_024960.6, NM_153640.4); c.-98A>T (NM_001324193.2); c.1211A>T, p.Asn404Ile (NM_153638.4); short protein forms N404I, N113I, N294I.
Identifiers: ClinVar variation 648367 (VCV000648367.20), dbSNP rs752078407, ClinGen allele CA9750785.

ClinVar aggregate classification (germline): Conflicting classifications of pathogenicity. Review status: criteria provided, conflicting classifications (1 of 4 stars). 8 submissions from 8 submitters: Pathogenic (6); Likely pathogenic (1); Uncertain significance (1). Last evaluated 2025-11-19.

Conditions:
Pigmentary pallidal degeneration (NBIA1). Also called: Pantothenate Kinase-Associated Neurodegeneration; Neuroaxonal dystrophy, late infantile; Hallervorden-Spatz disease; Neurodegeneration with brain iron accumulation 1; HARP SYNDROME; PKAN NEUROAXONAL DYSTROPHY, JUVENILE-ONSET. Identifiers: Orphanet 157850, MedGen C0018523, MONDO:0009319, OMIM 234200.

Allele frequency attached by ClinVar (database versions not stated): gnomAD exomes 0.00002 and 0.00006; gnomAD 0.00003 and 0.00004; ExAC 0.00005; TOPMed 0.00006.
gnomAD v4.1: 29 of 1,614,068 alleles (0.0018%); highest among the groups gnomAD compares: Admixed American, 0.037%; no homozygotes.

Submissions (8):

Labcorp Genetics (formerly Invitae), Labcorp
Classification: Pathogenic for Pigmentary pallidal degeneration. Last evaluated: 2025-11-19. Review status: criteria provided, single submitter. Criteria: Invitae Variant Classification Sherloc (09022015). Collection method: clinical testing. Allele origin: germline.
Comment: This sequence change replaces asparagine, which is neutral and polar, with isoleucine, which is neutral and non-polar, at codon 404 of the PANK2 protein (p.Asn404Ile). This variant is present in population databases (rs752078407, gnomAD 0.05%). This missense change has been observed in individuals with pantothenate kinase-associated neurodegeneration (PMID: 11479594, 23634310, 24712887). It has also been observed to segregate with disease in related individuals. This variant is also known as c.1199A>T/p. N390I and c.881A>T/p.N294I. ClinVar contains an entry for this variant (Variation ID: 648367). Invitae Evidence Modeling of protein sequence and biophysical properties (such as structural, functional, and spatial information, amino acid conservation, physicochemical variation, residue mobility, and thermodynamic stability) has been performed for this missense variant. However, the output from this modeling did not meet the statistical confidence thresholds required to predict the impact of this variant on PANK2 protein function. Experimental studies have shown that this missense change does not substantially affect PANK2 function (PMID: 16272150). For these reasons, this variant has been classified as Pathogenic.

Variantyx, Inc.
Classification: Likely pathogenic for Pigmentary pallidal degeneration. Last evaluated: 2025-10-29. Review status: criteria provided, single submitter. Criteria: Variantyx Assertion Criteria 2022. Collection method: clinical testing. Allele origin: germline. Inheritance: Autosomal recessive inheritance. Affected: no.
Comment: This is a nonsynonymous variant in the PANK2 gene (OMIM: 606157). Pathogenic variants in this gene have been associated with autosomal recessive neurodegeneration with brain iron accumulation 1. This variant has been identified in the homozygous or compound heterozygous state in at least in five unrelated affected individuals reported in the published literature (PMID: 11479594, 23634310, 20551478, 24712887) (PM3), and it has been observed to segregate with disease in at least four individuals from two families (PMID: 20551478, 24712887) (PP1_Moderate). Multiple computational algorithms predict a deleterious effect for this variant (REVEL score: 0.896) (PP3). The maximum allele frequency in non-founder control populations for this variant is 0.0367% (PM2). Based on the current evidence, this variant is classified as likely pathogenic for autosomal recessive neurodegeneration with brain iron accumulation 1.

GeneDx
Classification: Pathogenic. Last evaluated: 2025-10-22. Review status: criteria provided, single submitter. Criteria: GeneDx Variant Classification Process June 2021. Collection method: clinical testing. Allele origin: germline. Affected: yes.
Comment: Published functional studies suggest that this variant does not significantly impact the catalytic activity of PANK2; however, further studies are needed (PMID: 16272150); In silico analysis supports that this missense variant has a deleterious effect on protein structure/function; This variant is associated with the following publications: (PMID: 20551478, 11479594, 24712887, 36233161, 38680600, 37188304, 36790591, 16272150, 23634310)

Fulgent Genetics
Classification: Pathogenic for Pigmentary pallidal degeneration. Last evaluated: 2024-04-02. Review status: criteria provided, single submitter. Criteria: ACMG Guidelines, 2015. Collection method: clinical testing. Allele origin: germline.

3billion
Classification: Pathogenic for Pigmentary pallidal degeneration. Last evaluated: 2024-03-08. Review status: criteria provided, single submitter. Criteria: ACMG Guidelines, 2015. Collection method: clinical testing. Allele origin: germline. Affected: yes.
Comment: The variant is observed at an extremely low frequency in the gnomAD v2.1.1 dataset (total allele frequency: 0.006%). Predicted Consequence/Location: Missense variant In silico tool predictions suggest damaging effect of the variant on gene or gene product [REVEL: 0.90 (>=0.6, sensitivity 0.68 and specificity 0.92); 3Cnet: 0.22 (>=0.6, sensitivity 0.72 and precision 0.9)]. Same nucleotide change resulting in same amino acid change has been previously reported as pathogenic/likely pathogenic with strong evidence (ClinVar ID: VCV000648367 /PMID: 11479594). The variant has been reported to be in trans with a pathogenic variant as either compound heterozygous or homozygous in at least one similarly affected unrelated individual (PMID: 24712887). The variant has been reported to co-segregate with the disease in at least one similarly affected relative/individual in the same family or similarly affected unrelated family (PMID: 24712887). Therefore, this variant is classified as Pathogenic according to the recommendation of ACMG/AMP guideline.

Women's Health and Genetics/Laboratory Corporation of America, LabCorp
Classification: Pathogenic for Pigmentary pallidal degeneration. Last evaluated: 2022-02-17. Review status: criteria provided, single submitter. Criteria: LabCorp Variant Classification Summary - May 2015. Collection method: clinical testing. Allele origin: germline.
Comment: Variant summary: PANK2 c.1211A>T (p.Asn404Ile) results in a non-conservative amino acid change in the encoded protein sequence. Four of five in-silico tools predict a damaging effect of the variant on protein function. The variant allele was found at a frequency of 6.4e-05 in 251310 control chromosomes (gnomAD). This frequency is not higher than expected for a pathogenic variant in PANK2 causing Pantothenate Kinase-Associated Neurodegeneration (6.4e-05 vs 0.0011), allowing no conclusion about variant significance. c.1211A>T has been reported in the literature in multiple homozygous and compound heterozygous individuals affected with Pantothenate Kinase-Associated Neurodegeneration and the variant seggregated with the disease (examples: Camargos_2011 and MoralesBriceo_2015). These data indicate that the variant is very likely to be associated with disease. Zhang_2006 demonstrated that this variant mildly decreased the activity (83%+/-8.3) of the protein. Two clinical diagnostic laboratories have submitted clinical-significance assessments for this variant to ClinVar after 2014 and classified the variant as pathogenic. Based on the evidence outlined above, the variant was classified as pathogenic.

Blueprint Genetics
Classification: Uncertain significance. Last evaluated: 2021-10-27. Review status: criteria provided, single submitter. Criteria: ACMG Guidelines, 2015. Collection method: clinical testing. Allele origin: germline.

Genetic Services Laboratory, University of Chicago
Classification: Pathogenic. Last evaluated: 2017-05-23. Review status: criteria provided, single submitter. Criteria: ACMG Guidelines, 2015. Collection method: clinical testing. Allele origin: germline. Affected: yes.

Literature cited by the submitters: PubMed 11479594 (cited by 3 submitters); PubMed 23634310 (cited by Labcorp Genetics (formerly Invitae), Labcorp and Variantyx, Inc.); PubMed 24712887 (cited by 4 submitters); PubMed 16272150 (cited by Labcorp Genetics (formerly Invitae), Labcorp and Women's Health and Genetics/Laboratory Corporation of America, LabCorp); PubMed 20551478 (cited by Variantyx, Inc. and Women's Health and Genetics/Laboratory Corporation of America, LabCorp).